The following is an entry in ClinVar:

NM_001267550.2(TTN):c.36048del (p.Glu12017fs)

Gene: TTN (titin; minus strand). Cytogenetic location: 2q31.2.
Variant type: Deletion.
Coding change: c.36048del on transcript NM_001267550.2 (MANE Select); coding-DNA position 36048, one base deleted (C; older notation c.36048delC).
Protein change: p.Glu12017fs; shifts the reading frame from glutamic acid 12017.
Molecular consequence: frameshift variant. On other transcripts: intron variant (5).
Genome position (GRCh38, 1-based): chr2:178,664,922, G deleted on the plus strand (C on the coding strand, the reverse complement: TTN is on the minus strand); the first of 3 consecutive G bases (chr2:178,664,922-178,664,924); deleting any one gives the same sequence. VCF-style (leftmost placement, unchanged base first): chr2-178664921-CG-C. GRCh37 (hg19) VCF-style: chr2-179529648-CG-C.
Other names: c.13283-22605del (NM_003319.4); c.13859-22605del (NM_133437.4); c.13658-22605del (NM_133432.3); c.31484-1867del (NM_133378.4); c.34265-1867del (NM_001256850.1); short protein forms E12017fs.
Identifiers: ClinVar variation 3760768 (VCV003760768.2).

ClinVar aggregate classification (germline): Likely pathogenic (1 of 4 stars; one submission).

Conditions:
Autosomal recessive limb-girdle muscular dystrophy type 2J (LGMDR10). Also called: Limb-girdle muscular dystrophy, type 2J; MUSCULAR DYSTROPHY, LIMB-GIRDLE, AUTOSOMAL RECESSIVE 10. Identifiers: Orphanet 140922, MedGen C1837342, MONDO:0012127, OMIM 608807.
Dilated cardiomyopathy 1G (CMD1G). Identifiers: Orphanet 154, MedGen C1858763, MONDO:0011400, OMIM 604145.

Submission:

Labcorp Genetics (formerly Invitae), Labcorp
Classification: Likely pathogenic for Dilated cardiomyopathy 1G; Autosomal recessive limb-girdle muscular dystrophy type 2J. Last evaluated: 2024-11-20. Review status: criteria provided, single submitter. Criteria: Invitae Variant Classification Sherloc (09022015). Collection method: clinical testing. Allele origin: germline.
Comment: This sequence change creates a premature translational stop signal (p.Glu12017Lysfs*141) in the TTN gene. While this is not anticipated to result in nonsense mediated decay, it is expected to create a truncated TTN protein. This variant is not present in population databases (gnomAD no frequency). This variant has not been reported in the literature in individuals affected with TTN-related conditions. This variant is located in the I band of TTN (PMID: 25589632). Truncating variants in this region have been reported in individuals affected with autosomal recessive centronuclear myopathy (PMID: 23975875, internal data). Truncating variants in this region have also been identified in individuals affected with autosomal dominant dilated cardiomyopathy and/or cardio-related conditions (PMID: 27869827, 32964742, internal data). In summary, the currently available evidence indicates that the variant is pathogenic, but additional data are needed to prove that conclusively. Therefore, this variant has been classified as Likely Pathogenic.

Literature cited by the submitters: PubMed 25589632; PubMed 23975875; PubMed 27869827; PubMed 32964742.